The following is an entry in ClinVar:

ClinVar aggregate classification (germline): Likely pathogenic. Review status: criteria provided, multiple submitters, no conflicts (2 of 4 stars). 2 submissions from 2 submitters: Likely pathogenic (2). Last evaluated 2026-05-29.

Conditions:
Cystinuria (CSNU). Also called: CYSTINURIA, TYPE I; CYSTINURIA, TYPE II; CYSTINURIA, TYPE III; Cystinuria, non-type I. Identifiers: Orphanet 214, MedGen C0010691, MONDO:0009067, OMIM 220100, HP:0003131.

Submissions (2):

Victorian Clinical Genetics Services, Murdoch Childrens Research Institute
Classification: Likely pathogenic for Cystinuria. Last evaluated: 2026-05-29. Review status: criteria provided, single submitter. Criteria: ACMG Guidelines, 2015. Collection method: clinical testing. Allele origin: germline.
Comment: This variant is classified as Likely pathogenic. Evidence in support of pathogenic classification: Variant is predicted to result in a loss of the canonical translation initiation codon (ATG); Variant is present in gnomAD <0.01 (v4: 16 heterozygote(s), 0 homozygote(s)); This variant has moderate previous evidence of pathogenicity in unrelated individuals. This variant has been classified as likely pathogenic by a clinical laboratory in ClinVar. This variant has also been reported in the literature in a compound heterozygous state in a newborn with cystinuria (PMID: 34906519). Additionally, another variant resulting in loss of the start codon (c.2T>C) has been reported in a heterozygous state in a cohort of patients with cystinuria (PMID: 41006421). Additional information: This variant is heterozygous; This gene is associated with both recessive and dominant disease. Some heterozygous variants have been reported to be associated with a milder phenotype (OMIM, PMID: 11157794); No published evidence of segregation with disease has been identified for this variant; No published functional evidence has been identified for this variant; Loss of function is a known mechanism of disease in this gene and is associated with cystinuria (MIM#220100); The condition associated with this gene has incomplete penetrance. Autosomal dominant cystinuria has been reported to have incomplete penetrance (PMID: 25964309); Inheritance information for this variant is not currently available in this individual.

Fulgent Genetics
Classification: Likely pathogenic for Cystinuria. Last evaluated: 2024-05-13. Review status: criteria provided, single submitter. Criteria: ACMG Guidelines, 2015. Collection method: clinical testing. Allele origin: germline.

Literature cited by the submitters: PubMed 25964309 (cited by Victorian Clinical Genetics Services, Murdoch Childrens Research Institute); PubMed 11157794 (cited by Victorian Clinical Genetics Services, Murdoch Childrens Research Institute); PubMed 41006421 (cited by Victorian Clinical Genetics Services, Murdoch Childrens Research Institute); PubMed 34906519 (cited by Victorian Clinical Genetics Services, Murdoch Childrens Research Institute).

NM_014270.5(SLC7A9):c.1A>G (p.Met1Val)

Gene: SLC7A9 (solute carrier family 7 member 9; minus strand). Cytogenetic location: 19q13.11.
Variant type: single nucleotide variant.
Coding change: c.1A>G on transcript NM_014270.5 (MANE Select); coding-DNA position 1, A replaced by G.
Protein change: p.Met1Val; changes the start codon (methionine 1).
Molecular consequence: missense variant, initiator codon variant.
Genome position (GRCh38, 1-based): chr19:32,868,534, T>C on the plus strand (A>G on the coding strand, the complement: SLC7A9 is on the minus strand). VCF-style: chr19-32868534-T-C. GRCh37 (hg19) VCF-style: chr19-33359440-T-C.
Other names: c.1A>G, p.Met1Val (NM_001126335.2, NM_001243036.2); short protein forms M1V.
Identifiers: ClinVar variation 3583629 (VCV003583629.2).